The following is an entry in ClinVar:

NM_001130009.3(GEN1):c.1430A>G (p.Asn477Ser)

Gene: GEN1 (GEN1 structure-specific endonuclease; plus strand). Cytogenetic location: 2p24.2.
Variant type: single nucleotide variant.
Coding change: c.1430A>G on transcript NM_001130009.3 (MANE Select); coding-DNA position 1430, A replaced by G.
Protein change: p.Asn477Ser; replaces asparagine 477 with serine.
Molecular consequence: missense variant.
Genome position (GRCh38, 1-based): chr2:17,780,642, A>G. VCF-style: chr2-17780642-A-G. GRCh37 (hg19) VCF-style: chr2-17961909-A-G.
Other names: c.1430A>G (NM_001130009.1); c.1430A>G, p.Asn477Ser (NM_182625.5); short protein forms N477S.
Identifiers: ClinVar variation 1398407 (VCV001398407.9), dbSNP rs148028719, ClinGen allele CA43359312.
Genomic context (GRCh38, chr2:17,780,642, plus strand): 5'-AAAATAAATGTTGATTATATGTATTTTTTTTCTTTTCAGGTATTAAGCCTAAAGAAAACA[A>G]TTTGCCAGAACCAGATGAAGTAATGAGCTTTCAGTCACACATGACTTTAAAACCCACATG-3'
Protein context (NP_001123481.3, residues 467-487): KQKRIKPKEN[Asn477Ser]LPEPDEVMSF

ClinVar aggregate classification (germline): Conflicting classifications of pathogenicity. Review status: criteria provided, conflicting classifications (1 of 4 stars). 2 submissions from 2 submitters: Uncertain significance (1); Likely benign (1). Last evaluated 2025-05-15.

Allele frequency attached by ClinVar (database versions not stated): gnomAD exomes below 0.00001; ESP Exome Variant Server 0.00008.

Submissions (2):

Ambry Genetics
Classification: Likely benign. Last evaluated: 2025-05-15. Review status: criteria provided, single submitter. Criteria: Ambry Variant Classification Scheme 2023. Collection method: clinical testing. Allele origin: germline.

Labcorp Genetics (formerly Invitae), Labcorp
Classification: Uncertain significance. Last evaluated: 2021-07-24. Review status: criteria provided, single submitter. Criteria: Invitae Variant Classification Sherloc (09022015). Collection method: clinical testing. Allele origin: germline.
Comment: This variant is not present in population databases (ExAC no frequency). This sequence change replaces asparagine with serine at codon 477 of the GEN1 protein (p.Asn477Ser). The asparagine residue is weakly conserved and there is a small physicochemical difference between asparagine and serine. This variant has not been reported in the literature in individuals affected with GEN1-related conditions. In summary, the available evidence is currently insufficient to determine the role of this variant in disease. Therefore, it has been classified as a Variant of Uncertain Significance. Algorithms developed to predict the effect of missense changes on protein structure and function output the following: SIFT: "Tolerated"; PolyPhen-2: "Benign"; Align-GVGD: "Class C0". The serine amino acid residue is found in multiple mammalian species, which suggests that this missense change does not adversely affect protein function.